The following is an entry in ClinVar:

NM_002474.3(MYH11):c.4613A>C (p.Glu1538Ala)

Genes: MYH11 (myosin heavy chain 11; minus strand), NDE1 (nudE neurodevelopment protein 1; plus strand). Cytogenetic location: 16p13.11.
Variant type: single nucleotide variant.
Coding change: c.4613A>C on transcript NM_002474.3 (MANE Select); coding-DNA position 4613, A replaced by C.
Protein change: p.Glu1538Ala; replaces glutamic acid 1538 with alanine.
Molecular consequence: missense variant. On other transcripts: intron variant (2).
Genome position (GRCh38, 1-based): chr16:15,721,017, T>G on the plus strand (A>C on the coding strand, the complement: MYH11 is on the minus strand). VCF-style: chr16-15721017-T-G. GRCh37 (hg19) VCF-style: chr16-15814874-T-G.
Other names: c.948-3174T>G (NM_001143979.2, NM_017668.3); c.4634A>C, p.Glu1545Ala (NM_001040113.2, NM_001040114.2); c.4613A>C, p.Glu1538Ala (NM_022844.3); short protein forms E1538A, E1545A.
Identifiers: ClinVar variation 979126 (VCV000979126.3), dbSNP rs1343964791, ClinGen allele CA394854555.
Genomic context (GRCh38, chr16:15,721,017, plus strand): 5'-GTGGCTTGCAGCTCGTCCTCCAGCTCTTCCAGCTGCGTCTTCATCTCCTCCATCTGGGTC[T>G]CCAGGGCCCGCTTGGACTTCTCCAGCTCATGGACCTGCCGGCAGAGCGGGCAGCCCCATT-3'
Protein context (NP_002465.1, residues 1528-1548): HELEKSKRAL[Glu1538Ala]TQMEEMKTQL

ClinVar aggregate classification (germline): Uncertain significance. Review status: criteria provided, multiple submitters, no conflicts (2 of 4 stars). 2 submissions from 2 submitters: Uncertain significance (2). Last evaluated 2020-08-26.

Conditions:
Aortic aneurysm, familial thoracic 4 (AAT4). Also called: AORTIC ANEURYSM/AORTIC DISSECTION AND PATENT DUCTUS ARTERIOSUS. Identifiers: MedGen C1851504, MONDO:0007568, OMIM 132900.

Submissions (2):

GeneDx
Classification: Uncertain significance. Last evaluated: 2020-08-26. Review status: criteria provided, single submitter. Criteria: GeneDx Variant Classification Process June 2021. Collection method: clinical testing. Allele origin: germline. Affected: yes.
Comment: Has not been previously published as pathogenic or benign to our knowledge; Not observed in large population cohorts (Lek et al., 2016); In silico analysis supports that this missense variant does not alter protein structure/function

Human Genome Sequencing Center Clinical Lab, Baylor College of Medicine
Classification: Uncertain significance for Familial thoracic aortic aneurysm 4. Review status: criteria provided, single submitter. Criteria: ACMG Guidelines, 2015. Collection method: clinical testing. Allele origin: germline.